The following is an entry in ClinVar:

ClinVar aggregate classification (germline): Uncertain significance (1 of 4 stars; one submission).

Conditions:
Hereditary cancer-predisposing syndrome. Also called: Tumor predisposition; Hereditary neoplastic syndrome; Neoplastic Syndromes, Hereditary; Hereditary Cancer Syndrome. Identifiers: Orphanet 140162, MedGen C0027672, MeSH D009386, MONDO:0015356.

Submission:

Ambry Genetics
Classification: Uncertain significance for Hereditary cancer-predisposing syndrome. Last evaluated: 2025-04-04. Review status: criteria provided, single submitter. Criteria: Ambry Variant Classification Scheme 2023. Collection method: clinical testing. Allele origin: germline.
Comment: The p.A553V variant (also known as c.1658C>T), located in coding exon 9 of the DICER1 gene, results from a C to T substitution at nucleotide position 1658. The alanine at codon 553 is replaced by valine, an amino acid with similar properties. This amino acid position is conserved. In addition, this alteration is predicted to be deleterious by in silico analysis. Based on the available evidence, the clinical significance of this variant remains unclear.

NM_177438.3(DICER1):c.1658C>T (p.Ala553Val)

Gene: DICER1 (dicer 1, ribonuclease III; minus strand). Cytogenetic location: 14q32.13.
Variant type: single nucleotide variant.
Coding change: c.1658C>T on transcript NM_177438.3 (MANE Select); coding-DNA position 1658, C replaced by T.
Protein change: p.Ala553Val; replaces alanine 553 with valine.
Molecular consequence: missense variant. On other transcripts: 5 prime UTR variant (1), non-coding transcript variant (6).
Genome position (GRCh38, 1-based): chr14:95,116,547, G>A on the plus strand (C>T on the coding strand, the complement: DICER1 is on the minus strand). VCF-style: chr14-95116547-G-A. GRCh37 (hg19) VCF-style: chr14-95582884-G-A.
Other names: c.1658C>T, p.Ala553Val (NM_001195573.1, NM_001271282.3, NM_001291628.2 and 12 more transcripts); c.1376C>T, p.Ala459Val (NM_001395686.1); c.1253C>T, p.Ala418Val (NM_001395687.1, NM_001395688.1, NM_001395689.1 and 3 more transcripts); c.1091C>T, p.Ala364Val (NM_001395691.1); c.-26C>T (NM_001395697.1); short protein forms A418V, A553V, A364V, A459V.
Identifiers: ClinVar variation 4011609 (VCV004011609.1).
Genomic context (GRCh38, chr14:95,116,547, plus strand): 5'-TCAAAACTTTTTATTTTGTCTGTATCCGCTAACATTATATAATTAGAGATGGGTGCCCTT[G>A]CTCTTCCTTTAGATTGAACATAGGATCGATATTCTGTGGGCAAATCAAAACGAACCACCA-3'
Protein context (NP_803187.1, residues 543-563): YRSYVQSKGR[Ala553Val]RAPISNYIML